The following is an entry in ClinVar:

NM_001323289.2(CDKL5):c.2377-8T>A

Gene: CDKL5 (cyclin dependent kinase like 5; plus strand). Cytogenetic location: Xp22.13.
Variant type: single nucleotide variant.
Coding change: c.2377-8T>A on transcript NM_001323289.2 (MANE Select); 8 bases into the intron before coding-DNA position 2377, T replaced by A.
Molecular consequence: intron variant.
Genome position (GRCh38, 1-based): chrX:18,625,120, T>A. VCF-style: chrX-18625120-T-A. GRCh37 (hg19) VCF-style: chrX-18643240-T-A.
Other names: NM_003159.3:c.2377-8T>A; c.2377-8T>A (NM_003159.3, NM_001037343.2).
Identifiers: ClinVar variation 3772674 (VCV003772674.1).

ClinVar aggregate classification (germline): Uncertain significance (1 of 4 stars; one submission).

Conditions:
CDKL5 disorder. Identifiers: MedGen CN296942, MONDO:0100039.

Submission:

Centre for Population Genomics, CPG
Classification: Uncertain significance for CDKL5 disorder. Last evaluated: 2024-12-12. Review status: criteria provided, single submitter. Criteria: McKnight et al. (Hum Mutat. 2022). Collection method: curation. Allele origin: germline. Inheritance: X-linked inheritance.
Comment: This variant has been collected from RettBASE and curated to current modified ACMG/AMP criteria. Based on the classification scheme defined by the ClinGen Rett/Angelman-like Expert Panel for Rett/AS-like Disorders Specifications to the ACMG/AMP Variant Interpretation Guidelines VCEP 3.0, this variant is classified as variant of uncertain significance. At least the following criteria are met: The computational splicing predictor SpliceAI supports a splicing alteration (score of >0.2 - AL: 0.87, AG: 0.98) (PP3_Splicing). This variant is absent from gnomAD v4.1 (PM2_Supporting). Has been observed in at least 1 individual with phenotypes consistent with CDKL5 disorder (PMID: 25657822).

Literature cited by the submitters: PubMed 25657822.